The following is an entry in ClinVar:

ClinVar aggregate classification (germline): Uncertain significance (1 of 4 stars; one submission).

Submission:

Labcorp Genetics (formerly Invitae), Labcorp
Classification: Uncertain significance. Last evaluated: 2024-10-08. Review status: criteria provided, single submitter. Criteria: Invitae Variant Classification Sherloc (09022015). Collection method: clinical testing. Allele origin: germline.
Comment: This sequence change replaces aspartic acid, which is acidic and polar, with glycine, which is neutral and non-polar, at codon 1396 of the FLNB protein (p.Asp1396Gly). This variant is not present in population databases (gnomAD no frequency). This variant has not been reported in the literature in individuals affected with FLNB-related conditions. Invitae Evidence Modeling of protein sequence and biophysical properties (such as structural, functional, and spatial information, amino acid conservation, physicochemical variation, residue mobility, and thermodynamic stability) indicates that this missense variant is not expected to disrupt FLNB protein function with a negative predictive value of 95%. In summary, the available evidence is currently insufficient to determine the role of this variant in disease. Therefore, it has been classified as a Variant of Uncertain Significance.

NM_001457.4(FLNB):c.4187A>G (p.Asp1396Gly)

Gene: FLNB (filamin B; plus strand). Cytogenetic location: 3p14.3.
Variant type: single nucleotide variant.
Coding change: c.4187A>G on transcript NM_001457.4 (MANE Select); coding-DNA position 4187, A replaced by G.
Protein change: p.Asp1396Gly; replaces aspartic acid 1396 with glycine.
Molecular consequence: missense variant.
Genome position (GRCh38, 1-based): chr3:58,126,727, A>G. VCF-style: chr3-58126727-A-G. GRCh37 (hg19) VCF-style: chr3-58112454-A-G.
Other names: c.4187A>G, p.Asp1396Gly (NM_001164317.2, NM_001164318.2, NM_001164319.2); short protein forms D1396G.
Identifiers: ClinVar variation 3635729 (VCV003635729.2).